The following is an entry in ClinVar:

ClinVar aggregate classification (germline): Benign (1 of 4 stars; one submission).

Allele frequency attached by ClinVar (database versions not stated): gnomAD 0.34138 and 0.34558; 1000 Genomes Project 0.36202; 1000 Genomes Project 30x 0.36430; TOPMed 0.34602.

Submission:

GeneDx
Classification: Benign. Last evaluated: 2018-06-19. Review status: criteria provided, single submitter. Criteria: GeneDx Variant Classification (06012015). Collection method: clinical testing. Allele origin: germline. Affected: yes.
Comment: This variant is considered likely benign or benign based on one or more of the following criteria: it is a conservative change, it occurs at a poorly conserved position in the protein, it is predicted to be benign by multiple in silico algorithms, and/or has population frequency not consistent with disease.

NM_014000.2(VCL):c.-264A>G

Genes: VCL (vinculin; plus strand), LOC130004108 (ATAC-STARR-seq lymphoblastoid silent region 2498; plus strand). Cytogenetic location: 10q22.2.
Variant type: single nucleotide variant.
Coding change: c.-264A>G on transcript NM_014000.2; 264 bases upstream of the start codon, A replaced by G.
Genome position (GRCh38, 1-based): chr10:73,997,944, A>G. VCF-style: chr10-73997944-A-G. GRCh37 (hg19) VCF-style: chr10-75757702-A-G.
Identifiers: ClinVar variation 684060 (VCV000684060.3), dbSNP rs3812625, ClinGen allele CA13246788.